The following is an entry in ClinVar:

ClinVar aggregate classification (germline): Uncertain significance. Review status: criteria provided, multiple submitters, no conflicts (2 of 4 stars). 8 submissions from 8 submitters: Uncertain significance (8). Last evaluated 2024-12-02.

Conditions:
Hereditary cancer-predisposing syndrome. Also called: Hereditary Cancer Syndrome; Hereditary neoplastic syndrome; Tumor predisposition; Neoplastic Syndromes, Hereditary. Identifiers: Orphanet 140162, MedGen C0027672, MeSH D009386, MONDO:0015356.
Classic or attenuated familial adenomatous polyposis. Identifiers: MedGen CN372698, MONDO:0021057.
Familial adenomatous polyposis 1 (FAP1). Also called: FAMILIAL ADENOMATOUS POLYPOSIS 1, ATTENUATED; POLYPOSIS, ADENOMATOUS INTESTINAL. Identifiers: MedGen C2713442, MONDO:0021056, OMIM 175100. Disease mechanism: loss of function.

Allele frequency attached by ClinVar (database versions not stated): TOPMed below 0.00001; gnomAD 0.00001; gnomAD exomes 0.00001.
gnomAD v4.1: 10 of 1,613,836 alleles (0.00062%); highest among the groups gnomAD compares: African/African-American, 0.0013%; no homozygotes.

Submissions (8):

Labcorp Genetics (formerly Invitae), Labcorp
Classification: Uncertain significance for Familial adenomatous polyposis 1. Last evaluated: 2024-12-02. Review status: criteria provided, single submitter. Criteria: Invitae Variant Classification Sherloc (09022015). Collection method: clinical testing. Allele origin: germline.
Comment: This sequence change replaces glutamine, which is neutral and polar, with leucine, which is neutral and non-polar, at codon 1996 of the APC protein (p.Gln1996Leu). This variant is not present in population databases (gnomAD no frequency). This variant has not been reported in the literature in individuals affected with APC-related conditions. ClinVar contains an entry for this variant (Variation ID: 127310). Invitae Evidence Modeling of protein sequence and biophysical properties (such as structural, functional, and spatial information, amino acid conservation, physicochemical variation, residue mobility, and thermodynamic stability) indicates that this missense variant is not expected to disrupt APC protein function with a negative predictive value of 95%. In summary, the available evidence is currently insufficient to determine the role of this variant in disease. Therefore, it has been classified as a Variant of Uncertain Significance.

Quest Diagnostics Nichols Institute San Juan Capistrano
Classification: Uncertain significance. Last evaluated: 2024-05-09. Review status: criteria provided, single submitter. Criteria: Quest Diagnostics criteria. Collection method: clinical testing. Allele origin: unknown.
Comment: The APC c.5987A>T (p.Gln1996Leu) variant has not been reported in individuals with APC-related conditions in the published literature. The frequency of this variant in the general population, 0.000013 (2/152206 chromosomes (Genome Aggregation Database)), is uninformative in the assessment of its pathogenicity. Analysis of this variant using bioinformatics tools for the prediction of the effect of amino acid changes on protein structure and function yielded conflicting predictions that this variant is deleterious or benign. Based on the available information, we are unable to determine the clinical significance of this variant.

All of Us Research Program, National Institutes of Health
Classification: Uncertain significance for Classic or attenuated familial adenomatous polyposis. Last evaluated: 2024-03-05. Review status: criteria provided, single submitter. Criteria: ACMG Guidelines, 2015. Collection method: clinical testing. Allele origin: germline. Inheritance: Autosomal dominant inheritance. Observed: 1 variant allele, 1 heterozygote.
Comment: This study involves interpretation of variants in research participants for the purpose of population health screening. Participant phenotype was not available at the time of variant classification. Additional details can be found in publication PMID: 35346344, PMCID: PMC8962531

Color Diagnostics, LLC DBA Color Health
Classification: Uncertain significance for Hereditary cancer-predisposing syndrome. Last evaluated: 2023-12-05. Review status: criteria provided, single submitter. Criteria: ACMG Guidelines, 2015. Collection method: clinical testing. Allele origin: germline.
Comment: This missense variant replaces glutamine with leucine at codon 1996 of the APC protein. Computational prediction suggests that this variant may not impact protein structure and function (internally defined REVEL score threshold <= 0.5, PMID: 27666373). To our knowledge, functional studies have not been reported for this variant. This variant has not been reported in individuals affected with APC-related disorders in the literature. This variant has not been identified in the general population by the Genome Aggregation Database (gnomAD). The available evidence is insufficient to determine the role of this variant in disease conclusively. Therefore, this variant is classified as a Variant of Uncertain Significance.

Ambry Genetics
Classification: Uncertain significance for Hereditary cancer-predisposing syndrome. Last evaluated: 2023-11-13. Review status: criteria provided, single submitter. Criteria: Ambry Variant Classification Scheme 2023. Collection method: clinical testing. Allele origin: germline.
Comment: The p.Q1996L variant (also known as c.5987A>T), located in coding exon 15 of the APC gene, results from an A to T substitution at nucleotide position 5987. The glutamine at codon 1996 is replaced by leucine, an amino acid with dissimilar properties. This amino acid position is well conserved in available vertebrate species. In addition, in silico predictors for this gene do not accurately predict pathogenicity. Since supporting evidence is limited at this time, the clinical significance of this alteration remains unclear.

Mendelics
Classification: Uncertain significance. Last evaluated: 2022-05-04. Review status: criteria provided, single submitter. Criteria: Mendelics Assertion Criteria 2019. Collection method: clinical testing. Allele origin: germline.

Women's Health and Genetics/Laboratory Corporation of America, LabCorp
Classification: Uncertain significance. Last evaluated: 2022-01-07. Review status: criteria provided, single submitter. Criteria: LabCorp Variant Classification Summary - May 2015. Collection method: clinical testing. Allele origin: germline.

GeneDx
Classification: Uncertain significance. Last evaluated: 2014-03-11. Review status: criteria provided, single submitter. Criteria: GeneDx Variant Classification (06012015). Collection method: clinical testing. Allele origin: germline. Affected: yes.
Comment: This variant is denoted APC c.5987A>T at the cDNA level, p.Gln1996Leu (Q1996L) at the protein level, and results in the change of a Glutamine to a Leucine (CAG>CTG). This variant has not, to our knowledge, been published in the literature as pathogenic or benign. APC Gln1996Leu was not observed in approximately 6,500 individuals of European and African American ancestry in the NHLBI Exome Sequencing Project, indicating it is not a common benign variant in these populations. Since Glutamine and Leucine differ in polarity, charge, size or other properties, this is considered a non-conservative amino acid substitution and is likely to affect protein integrity. APC Gln1996Leu occurs at a position that is well conserved across species and is located in the beta-catenin downregulating domain (Azzopardi 2008). In silico analyses are inconsistent regarding the effect this variant may have on protein structure and function. Based on currently available information, it is unclear whether APC Gln1996Leu is pathogenic or benign. We consider it to be a variant of uncertain significance.

NM_000038.6(APC):c.5987A>T (p.Gln1996Leu)

Gene: APC (APC regulator of Wnt signaling pathway; plus strand). Cytogenetic location: 5q22.2.
Variant type: single nucleotide variant.
Coding change: c.5987A>T on transcript NM_000038.6 (MANE Select); coding-DNA position 5987, A replaced by T.
Protein change: p.Gln1996Leu; replaces glutamine 1996 with leucine.
Molecular consequence: missense variant.
Genome position (GRCh38, 1-based): chr5:112,841,581, A>T. VCF-style: chr5-112841581-A-T. GRCh37 (hg19) VCF-style: chr5-112177278-A-T.
Other names: p.Q1996L:CAG>CTG; c.5987A>T, p.Gln1996Leu (NM_001127510.3, NM_001354895.2); c.5933A>T, p.Gln1978Leu (NM_001127511.3); c.6041A>T, p.Gln2014Leu (NM_001354896.2); c.6017A>T, p.Gln2006Leu (NM_001354897.2); c.5912A>T, p.Gln1971Leu (NM_001354898.2); c.5903A>T, p.Gln1968Leu (NM_001354899.2); c.5864A>T, p.Gln1955Leu (NM_001354900.2); and 6 more; short protein forms Q1996L, Q1978L, Q1836L, Q1955L, Q2006L, Q2014L, Q1870L, Q1713L.
Identifiers: ClinVar variation 127310 (VCV000127310.22), dbSNP rs587779802, ClinGen allele CA010848.